The following is an entry in ClinVar:

ClinVar aggregate classification (germline): Likely benign. Review status: criteria provided, multiple submitters, no conflicts (2 of 4 stars). 3 submissions from 3 submitters: Likely benign (2). 1 of the submissions does not count toward it. Last evaluated 2025-12-03.

Conditions:
DKC1-related disorder. Also called: DKC1-related condition. Identifiers: MedGen CN294808, MONDO:0100152.
Dyskeratosis congenita. Identifiers: Orphanet 1775, MedGen C0265965, MONDO:0015780.

Allele frequency attached by ClinVar (database versions not stated): gnomAD below 0.00001 and 0.00001; ExAC 0.00001; gnomAD exomes 0.00001 and 0.00003; TOPMed 0.00001.
gnomAD v4.1: 29 of 1,172,743 alleles (0.0025%); highest among the groups gnomAD compares: Middle Eastern, 0.28%; no homozygotes.

Submissions (3):

Labcorp Genetics (formerly Invitae), Labcorp
Classification: Likely benign for Dyskeratosis congenita. Last evaluated: 2025-12-03. Review status: criteria provided, single submitter. Criteria: Invitae Variant Classification Sherloc (09022015). Collection method: clinical testing. Allele origin: germline.

Blueprint Genetics
Classification: Likely benign. Last evaluated: 2024-03-13. Review status: criteria provided, single submitter. Criteria: ACMG Guidelines, 2015. Collection method: clinical testing. Allele origin: germline.

PreventionGenetics, part of Exact Sciences
Classification: Likely benign for DKC1-related condition. Last evaluated: 2019-04-12. Review status: no assertion criteria provided. Collection method: clinical testing. Allele origin: germline. Not counted in ClinVar's aggregate classification.
Comment: This variant is classified as likely benign based on ACMG/AMP sequence variant interpretation guidelines (Richards et al. 2015 PMID: 25741868, with internal and published modifications).

NM_001363.5(DKC1):c.84+10A>T

Gene: DKC1 (dyskerin pseudouridine synthase 1; plus strand). Cytogenetic location: Xq28.
Variant type: single nucleotide variant.
Coding change: c.84+10A>T on transcript NM_001363.5 (MANE Select); 10 bases into the intron after coding-DNA position 84, A replaced by T.
Molecular consequence: intron variant. On other transcripts: non-coding transcript variant (1).
Genome position (GRCh38, 1-based): chrX:154,764,976, A>T. VCF-style: chrX-154764976-A-T. GRCh37 (hg19) VCF-style: chrX-153993251-A-T.
Other names: c.84+10A>T (NM_001288747.2, NM_001142463.3).
Identifiers: ClinVar variation 529200 (VCV000529200.12), dbSNP rs782718798, ClinGen allele CA10566961.